The following is an entry in ClinVar:

NM_005472.5(KCNE3):c.179A>G (p.Tyr60Cys)

Gene: KCNE3 (potassium voltage-gated channel subfamily E regulatory subunit 3; minus strand). Cytogenetic location: 11q13.4.
Variant type: single nucleotide variant.
Coding change: c.179A>G on transcript NM_005472.5 (MANE Select); coding-DNA position 179, A replaced by G.
Protein change: p.Tyr60Cys; replaces tyrosine 60 with cysteine.
Molecular consequence: missense variant.
Genome position (GRCh38, 1-based): chr11:74,457,385, T>C on the plus strand (A>G on the coding strand, the complement: KCNE3 is on the minus strand). VCF-style: chr11-74457385-T-C. GRCh37 (hg19) VCF-style: chr11-74168430-T-C.
Other names: short protein forms Y60C.
Identifiers: ClinVar variation 1780321 (VCV001780321.3), dbSNP rs1009916288, ClinGen allele CA224975655.

ClinVar aggregate classification (germline): Uncertain significance (1 of 4 stars; one submission).

Conditions:
Cardiovascular phenotype. Identifiers: MedGen CN230736.

Allele frequency attached by ClinVar (database versions not stated): gnomAD exomes below 0.00001; TOPMed 0.00001.
gnomAD v4.1: 7 of 1,614,138 alleles (0.00043%); highest among the groups gnomAD compares: Non-Finnish European, 0.00051%; no homozygotes.

Submission:

Ambry Genetics
Classification: Uncertain significance for Cardiovascular phenotype. Last evaluated: 2025-07-21. Review status: criteria provided, single submitter. Criteria: Ambry Variant Classification Scheme 2023. Collection method: clinical testing. Allele origin: germline.
Comment: The p.Y60C variant (also known as c.179A>G), located in coding exon 1 of the KCNE3 gene, results from an A to G substitution at nucleotide position 179. The tyrosine at codon 60 is replaced by cysteine, an amino acid with highly dissimilar properties. This amino acid position is conserved. In addition, this alteration is predicted to be deleterious by in silico analysis. Since supporting evidence is limited at this time, the clinical significance of this alteration remains unclear.